The following is an entry in ClinVar:

NM_001389.5:c.(5035+1_5036-1)_(5686+1_5687-1)del

Gene: DSCAM (DS cell adhesion molecule; minus strand).
Variant type: Deletion.
Other names: c.(5035+1_5036-1)_(5686+1_5687-1)del (NM_001389.5).
Identifiers: ClinVar variation 4279027 (VCV004279027.1).

ClinVar aggregate classification (germline): Uncertain significance (1 of 4 stars; one submission).

Conditions:
DSCAM-associated neurodevelopmental disorder.

Submission:

Institute of Human Genetics, University of Leipzig Medical Center
Classification: Uncertain significance for DSCAM-associated neurodevelopmental disorder. Last evaluated: 2025-09-01. Review status: criteria provided, single submitter. Criteria: ACMG Guidelines, 2015. Collection method: clinical testing. Allele origin: unknown. Inheritance: Autosomal dominant inheritance. Affected: yes.
Comment: Criteria applied: PVS1_STR, PM2

Literature cited by the submitters: PubMed 34848499.